The following is an entry in ClinVar:

NM_004082.5(DCTN1):c.1422G>A (p.Leu474=)

Gene: DCTN1 (dynactin subunit 1; minus strand). Cytogenetic location: 2p13.1.
Variant type: single nucleotide variant.
Coding change: c.1422G>A on transcript NM_004082.5 (MANE Select); coding-DNA position 1422, G replaced by A.
Protein change: p.Leu474=; no amino-acid change (leucine 474 retained).
Molecular consequence: synonymous variant. On other transcripts: non-coding transcript variant (1).
Genome position (GRCh38, 1-based): chr2:74,369,462, C>T on the plus strand (G>A on the coding strand, the complement: DCTN1 is on the minus strand). VCF-style: chr2-74369462-C-T. GRCh37 (hg19) VCF-style: chr2-74596589-C-T.
Other names: c.1362G>A, p.Leu454= (NM_001135040.3); c.1020G>A, p.Leu340= (NM_001135041.3, NM_023019.4); c.1311G>A, p.Leu437= (NM_001190836.2); c.1401G>A, p.Leu467= (NM_001190837.2); c.1371G>A, p.Leu457= (NM_001378991.1); c.1353G>A, p.Leu451= (NM_001378992.1); c.1422G>A (NM_004082.4).
Identifiers: ClinVar variation 1584182 (VCV001584182.9), dbSNP rs149184538, ClinGen allele CA1722148.

ClinVar aggregate classification (germline): Likely benign. Review status: criteria provided, multiple submitters, no conflicts (2 of 4 stars). 2 submissions from 2 submitters: Likely benign (2). Last evaluated 2025-08-07.

Conditions:
DCTN1-related disorder. Also called: DCTN1-related condition.
Perry syndrome. Also called: PARKINSONISM WITH ALVEOLAR HYPOVENTILATION AND MENTAL DEPRESSION. Identifiers: Orphanet 178509, MedGen C1868594, MONDO:0008201, OMIM 168605.
Neuronopathy, distal hereditary motor, type 7B. Also called: Distal Hereditary Motor Neuronopathy Type 7B (dHMN7B); NEURONOPATHY, DISTAL HEREDITARY MOTOR, HARDING TYPE VIIB; NEUROPATHY, DISTAL HEREDITARY MOTOR, HARDING TYPE VIIB; NEUROPATHY, DISTAL HEREDITARY MOTOR, WITH VOCAL CORD PARALYSIS, HARDING TYPE VIIB; NEURONOPATHY, DISTAL HEREDITARY MOTOR, AUTOSOMAL DOMINANT 14; HMN VIIB. Identifiers: Orphanet 139589, MedGen C1843315, MONDO:0011879, OMIM 607641.
Amyotrophic lateral sclerosis type 1 (ALS1). Also called: AMYOTROPHIC LATERAL SCLEROSIS 1, FAMILIAL. Identifiers: Orphanet 803, MedGen C1862939, MONDO:0007103, OMIM 105400.

Allele frequency attached by ClinVar (database versions not stated): gnomAD exomes 0.00001 and 0.00002; ExAC 0.00003; TOPMed 0.00006; gnomAD 0.00007 and 0.00008; ESP Exome Variant Server 0.00015.
gnomAD v4.1: 16 of 1,613,870 alleles (0.00099%); highest among the groups gnomAD compares: African/African-American, 0.019%; no homozygotes.

Submissions (2):

PreventionGenetics, part of Exact Sciences
Classification: Likely benign for DCTN1-related condition. Last evaluated: 2025-08-07. Review status: criteria provided, single submitter. Criteria: ACMG Guidelines, 2015. Collection method: clinical testing. Allele origin: germline.
Comment: This variant is classified as likely benign based on ACMG/AMP sequence variant interpretation guidelines (Richards et al. 2015 PMID: 25741868, with internal and published modifications).

Labcorp Genetics (formerly Invitae), Labcorp
Classification: Likely benign for Amyotrophic lateral sclerosis type 1; Neuronopathy, distal hereditary motor, type 7B; Perry syndrome. Last evaluated: 2024-07-16. Review status: criteria provided, single submitter. Criteria: Invitae Variant Classification Sherloc (09022015). Collection method: clinical testing. Allele origin: germline.